The following is an entry in ClinVar:

NM_001400225.1(MGA):c.6650dup (p.Lys2218fs)

Gene: MGA (MAX dimerization protein MGA; plus strand). Cytogenetic location: 15q15.1.
Variant type: Duplication.
Coding change: c.6650dup on transcript NM_001400225.1 (MANE Select); coding-DNA position 6650, one base duplicated (A; older notation c.6650dupA).
Protein change: p.Lys2218fs; shifts the reading frame from lysine 2218.
Molecular consequence: frameshift variant. On other transcripts: intron variant (1).
Genome position (GRCh38, 1-based): chr15:41,750,110, A duplicated. VCF-style (leftmost placement, unchanged base first): chr15-41750109-G-GA. GRCh37 (hg19) VCF-style: chr15-42042307-G-GA.
Other names: c.5876dup, p.Lys1960fs (NM_001080541.3); c.6503dup, p.Lys2169fs (NM_001164273.2); c.4105-4327dup (NM_001400242.1); short protein forms K1960fs, K2169fs, K2218fs.
Identifiers: ClinVar variation 3337993 (VCV003337993.1).

ClinVar aggregate classification (germline): Uncertain significance (1 of 4 stars; one submission).

Conditions:
MGA related disorder.

Submission:

GeneDx
Classification: Uncertain significance for MGA related disorder. Last evaluated: 2024-07-30. Review status: criteria provided, single submitter. Criteria: GeneDx Variant Classification Process June 2021. Collection method: clinical testing. Allele origin: germline. Affected: yes.